The following is an entry in ClinVar:

ClinVar aggregate classification (germline): Conflicting classifications of pathogenicity. Review status: criteria provided, conflicting classifications (1 of 4 stars). 5 submissions from 5 submitters: Uncertain significance (2); Likely benign (2). 1 of the submissions does not count toward it. Last evaluated 2025-08-13.

Conditions:
ABCG5-related disorder. Also called: ABCG5-related condition.
Sitosterolemia 1. Identifiers: MedGen C2749759, MONDO:0020747, OMIM 210250.
Cardiovascular phenotype. Identifiers: MedGen CN230736.
Sitosterolemia (STSL). Also called: PHYTOSTEROLEMIA. Identifiers: Orphanet 2882, MedGen C0342907, MONDO:0008863.

Allele frequency attached by ClinVar (database versions not stated): TOPMed 0.00001; gnomAD exomes 0.00002 and 0.00003; ExAC 0.00003.
gnomAD v4.1: 49 of 1,613,906 alleles (0.003%); highest among the groups gnomAD compares: Middle Eastern, 0.017%; no homozygotes.

Submissions (5):

Labcorp Genetics (formerly Invitae), Labcorp
Classification: Likely benign for Sitosterolemia. Last evaluated: 2025-08-13. Review status: criteria provided, single submitter. Criteria: Invitae Variant Classification Sherloc (09022015). Collection method: clinical testing. Allele origin: germline.

Ambry Genetics
Classification: Likely benign for Cardiovascular phenotype. Last evaluated: 2021-02-04. Review status: criteria provided, single submitter. Criteria: Ambry Variant Classification Scheme 2023. Collection method: clinical testing. Allele origin: germline.

Illumina Laboratory Services, Illumina
Classification: Uncertain significance for Sitosterolemia 1. Last evaluated: 2018-01-13. Review status: criteria provided, single submitter. Criteria: ICSL Variant Classification Criteria 13 December 2019. Collection method: clinical testing. Allele origin: germline.

Eurofins Ntd Llc (ga)
Classification: Uncertain significance. Last evaluated: 2016-09-22. Review status: criteria provided, single submitter. Criteria: EGL Classification Definitions 2015. Collection method: clinical testing. Allele origin: germline. Observed: 1 variant allele, 1 heterozygote.

PreventionGenetics, part of Exact Sciences
Classification: Likely benign for ABCG5-related condition. Last evaluated: 2024-08-18. Review status: no assertion criteria provided. Collection method: clinical testing. Allele origin: germline. Not counted in ClinVar's aggregate classification.
Comment: This variant is classified as likely benign based on ACMG/AMP sequence variant interpretation guidelines (Richards et al. 2015 PMID: 25741868, with internal and published modifications).

NM_022436.3(ABCG5):c.804C>T (p.Phe268=)

Genes: ABCG5 (ATP binding cassette subfamily G member 5; minus strand), DYNC2LI1 (dynein cytoplasmic 2 light intermediate chain 1; plus strand). Cytogenetic location: 2p21.
Variant type: single nucleotide variant.
Coding change: c.804C>T on transcript NM_022436.3 (MANE Select); coding-DNA position 804, C replaced by T.
Protein change: p.Phe268=; no amino-acid change (phenylalanine 268 retained).
Molecular consequence: synonymous variant. On other transcripts: intron variant (2).
Genome position (GRCh38, 1-based): chr2:43,824,989, G>A on the plus strand (C>T on the coding strand, the complement: ABCG5 is on the minus strand). VCF-style: chr2-43824989-G-A. GRCh37 (hg19) VCF-style: chr2-44052128-G-A.
Other names: c.*16-2397G>A (NM_001348913.2, NM_001348912.2).
Identifiers: ClinVar variation 291281 (VCV000291281.16), dbSNP rs554183818, ClinGen allele CA1636500.